The following is an entry in ClinVar:

NM_022051.3(EGLN1):c.318C>A (p.Asp106Glu)

Gene: EGLN1 (egl-9 family hypoxia inducible factor 1; minus strand). Cytogenetic location: 1q42.2.
Variant type: single nucleotide variant.
Coding change: c.318C>A on transcript NM_022051.3 (MANE Select); coding-DNA position 318, C replaced by A.
Protein change: p.Asp106Glu; replaces aspartic acid 106 with glutamic acid.
Molecular consequence: missense variant.
Genome position (GRCh38, 1-based): chr1:231,421,571, G>T on the plus strand (C>A on the coding strand, the complement: EGLN1 is on the minus strand). VCF-style: chr1-231421571-G-T. GRCh37 (hg19) VCF-style: chr1-231557317-G-T.
Other names: c.318C>A, p.Asp106Glu (NM_001377260.1, NM_001377261.1); short protein forms D106E.
Identifiers: ClinVar variation 4870305 (VCV004870305.1).

ClinVar aggregate classification (germline): Uncertain significance (1 of 4 stars; one submission).

Submission:

Ambry Genetics
Classification: Uncertain significance. Last evaluated: 2026-04-13. Review status: criteria provided, single submitter. Criteria: Ambry Variant Classification Scheme 2023. Collection method: clinical testing. Allele origin: germline.
Comment: The p.D106E variant (also known as c.318C>A), located in coding exon 1 of the EGLN1 gene, results from a C to A substitution at nucleotide position 318. The aspartic acid at codon 106 is replaced by glutamic acid, an amino acid with highly similar properties. This amino acid position is conserved. In addition, this alteration is predicted to be tolerated by in silico analysis. Based on the available evidence, the clinical significance of this variant remains unclear.